The following is an entry in ClinVar:

NM_015178.3(RHOBTB2):c.1535G>A (p.Ser512Asn)

Gene: RHOBTB2 (Rho related BTB domain containing 2; plus strand). Cytogenetic location: 8p21.3.
Variant type: single nucleotide variant.
Coding change: c.1535G>A on transcript NM_015178.3 (MANE Select); coding-DNA position 1535, G replaced by A.
Protein change: p.Ser512Asn; replaces serine 512 with asparagine.
Molecular consequence: missense variant.
Genome position (GRCh38, 1-based): chr8:23,008,026, G>A. VCF-style: chr8-23008026-G-A. GRCh37 (hg19) VCF-style: chr8-22865539-G-A.
Other names: c.1601G>A, p.Ser534Asn (NM_001160036.2); c.1556G>A, p.Ser519Asn (NM_001160037.2); c.1535G>A, p.Ser512Asn (NM_001374791.1); short protein forms S519N, S512N, S534N.
Identifiers: ClinVar variation 5009645 (VCV005009645.1).

ClinVar aggregate classification (germline): Uncertain significance (1 of 4 stars; one submission).

Submission:

GeneDx
Classification: Uncertain significance. Last evaluated: 2026-02-17. Review status: criteria provided, single submitter. Criteria: GeneDx Variant Classification Process June 2021. Collection method: clinical testing. Allele origin: germline.
Comment: Not observed at significant frequency in large population cohorts (gnomAD); In silico analysis suggests that this missense variant does not alter protein structure/function; Has not been previously published as pathogenic or benign to our knowledge